The following is an entry in ClinVar:

ClinVar aggregate classification (germline): Likely benign (0 of 4 stars; one submission).

Conditions:
CIC-related disorder. Also called: CIC-related condition.

Allele frequency attached by ClinVar (database versions not stated): ExAC 0.00001; gnomAD exomes 0.00004; gnomAD 0.00007; TOPMed 0.00008.
gnomAD v4.1: 70 of 1,612,716 alleles (0.0043%); highest among the groups gnomAD compares: African/African-American, 0.02%; no homozygotes.

Submission:

PreventionGenetics, part of Exact Sciences
Classification: Likely benign for CIC-related condition. Last evaluated: 2024-06-12. Review status: no assertion criteria provided. Collection method: clinical testing. Allele origin: germline.
Comment: This variant is classified as likely benign based on ACMG/AMP sequence variant interpretation guidelines (Richards et al. 2015 PMID: 25741868, with internal and published modifications).

NM_001386298.1(CIC):c.6684G>A (p.Pro2228=)

Gene: CIC (capicua transcriptional repressor; plus strand). Cytogenetic location: 19q13.2.
Variant type: single nucleotide variant.
Coding change: c.6684G>A on transcript NM_001386298.1 (MANE Select); coding-DNA position 6684, G replaced by A.
Protein change: p.Pro2228=; no amino-acid change (proline 2228 retained).
Molecular consequence: synonymous variant.
Genome position (GRCh38, 1-based): chr19:42,293,753, G>A. VCF-style: chr19-42293753-G-A. GRCh37 (hg19) VCF-style: chr19-42797905-G-A.
Other names: c.6684G>A, p.Pro2228= (NM_001304815.2, NM_001379482.1, NM_001379483.1); c.6681G>A, p.Pro2227= (NM_001379480.1); c.3957G>A, p.Pro1319= (NM_001379484.1, NM_001379485.1, NM_015125.5).
Identifiers: ClinVar variation 3052956 (VCV003052956.2), dbSNP rs767737613, ClinGen allele CA9472793.
Genomic context (GRCh38, chr19:42,293,753, plus strand): 5'-AGCTGTAGCCCCTGGTGGCAGCAGCGAGAGCAGCAGTGGGCGGGCAGCCGGGGACACCCC[G>A]GAGCGCAAGGAGGCGGCTGGTACTGGCAAGAAGGTGAAGGTGCGGCCCCCGCCCCTGAAG-3'
Protein context (NP_001373227.1, residues 2218-2238): SSSGRAAGDT[Pro2228=]ERKEAAGTGK